The following is an entry in ClinVar:

ClinVar aggregate classification (germline): Uncertain significance (1 of 4 stars; one submission).

Allele frequency attached by ClinVar (database versions not stated): gnomAD exomes 0.00001; TOPMed 0.00002.
gnomAD v4.1: 3 of 1,614,124 alleles (0.00019%); highest among the groups gnomAD compares: East Asian, 0.0022%; no homozygotes.

Submission:

Labcorp Genetics (formerly Invitae), Labcorp
Classification: Uncertain significance. Last evaluated: 2025-10-29. Review status: criteria provided, single submitter. Criteria: Invitae Variant Classification Sherloc (09022015). Collection method: clinical testing. Allele origin: germline.
Comment: This sequence change replaces leucine, which is neutral and non-polar, with valine, which is neutral and non-polar, at codon 940 of the RNF31 protein (p.Leu940Val). This variant is not present in population databases (gnomAD no frequency). This variant has not been reported in the literature in individuals affected with RNF31-related conditions. ClinVar contains an entry for this variant (Variation ID: 1355098). An algorithm developed to predict the effect of missense changes on protein structure and function outputs the following: PolyPhen-2: "Benign". The valine amino acid residue is found in multiple mammalian species, which suggests that this missense change does not adversely affect protein function. In summary, the available evidence is currently insufficient to determine the role of this variant in disease. Therefore, it has been classified as a Variant of Uncertain Significance.

NM_017999.5(RNF31):c.2818C>G (p.Leu940Val)

Gene: RNF31 (ring finger protein 31; plus strand). Cytogenetic location: 14q12.
Variant type: single nucleotide variant.
Coding change: c.2818C>G on transcript NM_017999.5 (MANE Select); coding-DNA position 2818, C replaced by G.
Protein change: p.Leu940Val; replaces leucine 940 with valine.
Molecular consequence: missense variant.
Genome position (GRCh38, 1-based): chr14:24,157,988, C>G. VCF-style: chr14-24157988-C-G. GRCh37 (hg19) VCF-style: chr14-24627197-C-G.
Other names: c.2365C>G, p.Leu789Val (NM_001310332.2); short protein forms L789V, L940V.
Identifiers: ClinVar variation 1355098 (VCV001355098.8), dbSNP rs992447052, ClinGen allele CA257873953.